The following is an entry in ClinVar:

ClinVar aggregate classification (germline): Benign/Likely benign. Review status: criteria provided, multiple submitters, no conflicts (2 of 4 stars). 5 submissions from 5 submitters: Benign (2); Likely benign (2). 1 of the submissions does not count toward it. Last evaluated 2026-01-05.

Conditions:
MACF1-related disorder. Also called: MACF1-related condition.
Lissencephaly 9 with complex brainstem malformation. Identifiers: Orphanet 572013, MedGen C5193029, MONDO:0032677, OMIM 618325.

Allele frequency attached by ClinVar (database versions not stated): gnomAD exomes 0.00094 and 0.00277; ExAC 0.00331; 1000 Genomes Project 30x 0.01077; gnomAD 0.01080 and 0.01135; 1000 Genomes Project 0.01118; TOPMed 0.01147; ESP Exome Variant Server 0.01223.
gnomAD v4.1: 3,084 of 1,612,906 alleles (0.19%); highest among the groups gnomAD compares: African/African-American, 3.6%; 59 homozygotes.

Submissions (5):

Labcorp Genetics (formerly Invitae), Labcorp
Classification: Benign. Last evaluated: 2026-01-05. Review status: criteria provided, single submitter. Criteria: Invitae Variant Classification Sherloc (09022015). Collection method: clinical testing. Allele origin: germline.

Genome-Nilou Lab
Classification: Likely benign for Lissencephaly 9 with complex brainstem malformation. Last evaluated: 2023-04-11. Review status: criteria provided, single submitter. Criteria: ACMG Guidelines, 2015. Collection method: clinical testing. Allele origin: germline. Affected: no.

Fulgent Genetics
Classification: Likely benign for Lissencephaly 9 with complex brainstem malformation. Last evaluated: 2021-09-27. Review status: criteria provided, single submitter. Criteria: ACMG Guidelines, 2015. Collection method: clinical testing. Allele origin: unknown.

Breakthrough Genomics
Classification: Benign. Review status: criteria provided, single submitter. Criteria: ACMG Guidelines, 2015. Collection method: not provided. Allele origin: germline. Inheritance: Autosomal dominant inheritance. Affected: yes.

PreventionGenetics, part of Exact Sciences
Classification: Benign for MACF1-related condition. Last evaluated: 2024-03-21. Review status: no assertion criteria provided. Collection method: clinical testing. Allele origin: germline. Not counted in ClinVar's aggregate classification.
Comment: This variant is classified as benign based on ACMG/AMP sequence variant interpretation guidelines (Richards et al. 2015 PMID: 25741868, with internal and published modifications).

NM_001394062.1(MACF1):c.13641A>G (p.Glu4547=)

Gene: MACF1 (microtubule actin crosslinking factor 1; plus strand). Cytogenetic location: 1p34.3.
Variant type: single nucleotide variant.
Coding change: c.13641A>G on transcript NM_001394062.1 (MANE Select); coding-DNA position 13641, A replaced by G.
Protein change: p.Glu4547=; no amino-acid change (glutamic acid 4547 retained).
Molecular consequence: synonymous variant.
Genome position (GRCh38, 1-based): chr1:39,380,366, A>G. VCF-style: chr1-39380366-A-G. GRCh37 (hg19) VCF-style: chr1-39846038-A-G.
Other names: c.7455A>G, p.Glu2485= (NM_012090.5).
Identifiers: ClinVar variation 1570216 (VCV001570216.12), dbSNP rs6673570, ClinGen allele CA782099.
Genomic context (GRCh38, chr1:39,380,366, plus strand): 5'-TGGATTACTGGTGACATATCCCAACTCACAGGAAGCAGAAAATTGGAAGAAAATTCAGGA[A>G]GAACTCAGTAAGTTTTCACAAGAGTGTTACAAATTTGCTAAGTTACTTGTCTTCAAAGCA-3'
Protein context (NP_001380991.1, residues 4537-4557): QEAENWKKIQ[Glu4547=]ELNSRWERAT